The following is an entry in ClinVar:

ClinVar aggregate classification (germline): Uncertain significance (1 of 4 stars; one submission).

Conditions:
Skeletal dysplasia, mild, with joint laxity and advanced bone age. Identifiers: MedGen C5394341, MONDO:0030029, OMIM 618870.

gnomAD v4.1: 2 of 1,614,250 alleles (0.00012%); highest among the groups gnomAD compares: Non-Finnish European, 0.00017%; no homozygotes.

Submission:

Juno Genomics, Hangzhou Juno Genomics, Inc
Classification: Uncertain significance for Skeletal dysplasia, mild, with joint laxity and advanced bone age. Review status: criteria provided, single submitter. Criteria: ACMG Guidelines, 2015. Collection method: clinical testing. Allele origin: germline.
Comment: Absent from controls (or at extremely low frequency if recessive) in Genome Aggregation Database.

NM_001354483.2(CSGALNACT1):c.394G>T (p.Glu132Ter)

Gene: CSGALNACT1 (chondroitin sulfate N-acetylgalactosaminyltransferase 1; minus strand). Cytogenetic location: 8p21.3.
Variant type: single nucleotide variant.
Coding change: c.394G>T on transcript NM_001354483.2 (MANE Select); coding-DNA position 394, G replaced by T.
Protein change: p.Glu132Ter; replaces glutamic acid 132 with a stop codon.
Molecular consequence: nonsense. On other transcripts: non-coding transcript variant (7).
Genome position (GRCh38, 1-based): chr8:19,505,441, C>A on the plus strand (G>T on the coding strand, the complement: CSGALNACT1 is on the minus strand). VCF-style: chr8-19505441-C-A. GRCh37 (hg19) VCF-style: chr8-19362952-C-A.
Other names: c.394G>T, p.Glu132Ter (NM_001130518.2, NM_001354475.2, NM_001354476.2 and 18 more transcripts); short protein forms E132*.
Identifiers: ClinVar variation 5007295 (VCV005007295.2).
Genomic context (GRCh38, chr8:19,505,441, plus strand): 5'-TAAAGCTATCGAAAGGCACTGCTGCATACTCTGTGGCCAGCTTGACGCCAGCATTCACCT[C>A]TGCCTTGTCCACCTGCGAGTGCAGGAAGGCCAGGAGGTCGGCCTGGGTTTTCTCTGGGGG-3'